The following is an entry in ClinVar:

ClinVar aggregate classification (germline): Uncertain significance. Review status: criteria provided, multiple submitters, no conflicts (2 of 4 stars). 2 submissions from 2 submitters: Uncertain significance (2). Last evaluated 2026-02-16.

Conditions:
Inborn genetic diseases. Identifiers: MedGen C0950123, MeSH D030342.

gnomAD v4.1: 2 of 1,614,170 alleles (0.00012%); highest among the groups gnomAD compares: Admixed American, 0.0033%; no homozygotes.

Submissions (2):

Ambry Genetics
Classification: Uncertain significance for Inborn genetic diseases. Last evaluated: 2026-02-16. Review status: criteria provided, single submitter. Criteria: Ambry Variant Classification Scheme 2023. Collection method: clinical testing. Allele origin: germline.
Comment: The p.E562Q variant (also known as c.1684G>C), located in coding exon 8 of the MECOM gene, results from a G to C substitution at nucleotide position 1684. The glutamic acid at codon 562 is replaced by glutamine, an amino acid with highly similar properties. This amino acid position is conserved. In addition, this alteration is predicted to be tolerated by in silico analysis. Based on the available evidence, the clinical significance of this variant remains unclear.

Labcorp Genetics (formerly Invitae), Labcorp
Classification: Uncertain significance. Last evaluated: 2025-04-13. Review status: criteria provided, single submitter. Criteria: Invitae Variant Classification Sherloc (09022015). Collection method: clinical testing. Allele origin: germline.
Comment: This sequence change replaces glutamic acid, which is acidic and polar, with glutamine, which is neutral and polar, at codon 374 of the MECOM protein (p.Glu374Gln). This variant is not present in population databases (gnomAD no frequency). This variant has not been reported in the literature in individuals affected with MECOM-related conditions. ClinVar contains an entry for this variant (Variation ID: 2016343). An algorithm developed to predict the effect of missense changes on protein structure and function (PolyPhen-2) suggests that this variant is likely to be tolerated. In summary, the available evidence is currently insufficient to determine the role of this variant in disease. Therefore, it has been classified as a Variant of Uncertain Significance.

NM_004991.4(MECOM):c.1684G>C (p.Glu562Gln)

Gene: MECOM (MDS1 and EVI1 complex locus; minus strand). Cytogenetic location: 3q26.2.
Variant type: single nucleotide variant.
Coding change: c.1684G>C on transcript NM_004991.4 (MANE Select); coding-DNA position 1684, G replaced by C.
Protein change: p.Glu562Gln; replaces glutamic acid 562 with glutamine.
Molecular consequence: missense variant. On other transcripts: intron variant (2).
Genome position (GRCh38, 1-based): chr3:169,116,188, C>G on the plus strand (G>C on the coding strand, the complement: MECOM is on the minus strand). VCF-style: chr3-169116188-C-G. GRCh37 (hg19) VCF-style: chr3-168833976-C-G.
Other names: c.1684G>C (NM_004991.3); c.1315G>C, p.Glu439Gln (NM_001105077.4); c.1120G>C, p.Glu374Gln (NM_001105078.4, NM_001164000.2, NM_001205194.2 and 4 more transcripts); c.1123G>C, p.Glu375Gln (NM_001163999.2, NM_001366467.2, NM_001366468.2 and 1 more transcripts); c.1684G>C, p.Glu562Gln (NM_001366466.2); c.1133-421G>C (NM_001366473.2); c.569-421G>C (NM_001366474.2); short protein forms E562Q, E375Q, E374Q, E439Q.
Identifiers: ClinVar variation 2016343 (VCV002016343.6), dbSNP rs149928659, ClinGen allele CA355061698.